The following is an entry in ClinVar:

ClinVar aggregate classification (germline): Likely pathogenic (1 of 4 stars; one submission).

Conditions:
Hypogonadotropic hypogonadism 5 with or without anosmia (KAL5). Also called: HYPOGONADOTROPIC HYPOGONADISM 5 WITH ANOSMIA; HYPOGONADOTROPHIC HYPOGONADISM 5 WITHOUT ANOSMIA; CHD7-Related GnRH Deficiency (Kallmann Syndrome 5). Identifiers: Orphanet 478, MedGen C3552553, MONDO:0012880, OMIM 612370. Disease mechanism: loss of function.

Submission:

Dubai Health Genomic Medicine Center, Dubai Health
Classification: Likely pathogenic for Hypogonadotropic hypogonadism 5 with or without anosmia. Last evaluated: 2024-10-04. Review status: criteria provided, single submitter. Criteria: ACMG Guidelines, 2015. Collection method: research. Allele origin: germline. Affected: yes.
Comment: PVS1,PM2,PM6

NM_017780.4(CHD7):c.7165-2A>G

Gene: CHD7 (chromodomain helicase DNA binding protein 7; plus strand). Cytogenetic location: 8q12.2.
Variant type: single nucleotide variant.
Coding change: c.7165-2A>G on transcript NM_017780.4 (MANE Select); the canonical splice acceptor site of the intron before coding-DNA position 7165, A replaced by G.
Molecular consequence: splice acceptor variant. On other transcripts: intron variant (1).
Genome position (GRCh38, 1-based): chr8:60,856,443, A>G. VCF-style: chr8-60856443-A-G. GRCh37 (hg19) VCF-style: chr8-61769002-A-G.
Other names: c.1717-5786A>G (NM_001316690.1).
Identifiers: ClinVar variation 3384123 (VCV003384123.1).